The following is an entry in ClinVar:

ClinVar aggregate classification (germline): Uncertain significance (1 of 4 stars; one submission).

Allele frequency attached by ClinVar (database versions not stated): gnomAD 0.00001; TOPMed 0.00001.
gnomAD v4.1: 1 of 1,613,622 alleles (0.000062%); highest among the groups gnomAD compares: African/African-American, 0.0013%; no homozygotes.

Submission:

Labcorp Genetics (formerly Invitae), Labcorp
Classification: Uncertain significance. Last evaluated: 2024-01-02. Review status: criteria provided, single submitter. Criteria: Invitae Variant Classification Sherloc (09022015). Collection method: clinical testing. Allele origin: germline.
Comment: This sequence change replaces phenylalanine, which is neutral and non-polar, with cysteine, which is neutral and slightly polar, at codon 197 of the PLEKHM2 protein (p.Phe197Cys). This variant is not present in population databases (gnomAD no frequency). This variant has not been reported in the literature in individuals affected with PLEKHM2-related conditions. ClinVar contains an entry for this variant (Variation ID: 1041914). An algorithm developed to predict the effect of missense changes on protein structure and function (PolyPhen-2) suggests that this variant is likely to be disruptive. In summary, the available evidence is currently insufficient to determine the role of this variant in disease. Therefore, it has been classified as a Variant of Uncertain Significance.

NM_015164.4(PLEKHM2):c.590T>G (p.Phe197Cys)

Gene: PLEKHM2 (pleckstrin homology and RUN domain containing M2; plus strand). Cytogenetic location: 1p36.21.
Variant type: single nucleotide variant.
Coding change: c.590T>G on transcript NM_015164.4 (MANE Select); coding-DNA position 590, T replaced by G.
Protein change: p.Phe197Cys; replaces phenylalanine 197 with cysteine.
Molecular consequence: missense variant.
Genome position (GRCh38, 1-based): chr1:15,719,858, T>G. VCF-style: chr1-15719858-T-G. GRCh37 (hg19) VCF-style: chr1-16046353-T-G.
Other names: short protein forms F197C.
Identifiers: ClinVar variation 1041914 (VCV001041914.8), dbSNP rs1196866843, ClinGen allele CA338580910.